The following is an entry in ClinVar:

ClinVar aggregate classification (germline): Pathogenic (1 of 4 stars; one submission).

Submission:

Labcorp Genetics (formerly Invitae), Labcorp
Classification: Pathogenic. Last evaluated: 2025-12-15. Review status: criteria provided, single submitter. Criteria: Invitae Variant Classification Sherloc (09022015). Collection method: clinical testing. Allele origin: germline.
Comment: This sequence change affects an acceptor splice site in intron 4 of the SERPING1 gene. It is expected to disrupt RNA splicing. Variants that disrupt the donor or acceptor splice site typically lead to a loss of protein function (PMID: 16199547), and loss-of-function variants in SERPING1 are known to be pathogenic (PMID: 11112899, 24456027). This variant is not present in population databases (gnomAD no frequency). Disruption of this splice site has been observed in individuals with autosomal dominant hereditary angioedema (PMID: 34343365, 35821062). Algorithms developed to predict the effect of sequence changes on RNA splicing suggest that this variant may disrupt the consensus splice site. For these reasons, this variant has been classified as Pathogenic.

Literature cited by the submitters: PubMed 16199547; PubMed 11112899; PubMed 24456027; PubMed 34343365; PubMed 35821062.

NM_000062.3(SERPING1):c.686-1G>C

Gene: SERPING1 (serpin family G member 1; plus strand). Cytogenetic location: 11q12.1.
Variant type: single nucleotide variant.
Coding change: c.686-1G>C on transcript NM_000062.3 (MANE Select); the canonical splice acceptor site of the intron before coding-DNA position 686, G replaced by C.
Molecular consequence: splice acceptor variant.
Genome position (GRCh38, 1-based): chr11:57,606,009, G>C. VCF-style: chr11-57606009-G-C. GRCh37 (hg19) VCF-style: chr11-57373482-G-C.
Other names: c.686-1G>C (NM_001032295.2).
Identifiers: ClinVar variation 4733320 (VCV004733320.1).